The following is an entry in ClinVar:

ClinVar aggregate classification (germline): Pathogenic. Review status: criteria provided, single submitter (1 of 4 stars). 3 submissions from 3 submitters: Pathogenic (1). 2 of the submissions do not count toward it.

Conditions:
WDR11-related disorder. Also called: WDR11-related condition.
Intellectual developmental disorder, autosomal recessive 78 (MRT78). Identifiers: MedGen C5830269, MONDO:0859373, OMIM 620237.
Microcephaly. Also called: Microcephaly (disease). Identifiers: MedGen C4551563, MONDO:0001149, HP:0000252.

Submissions (3):

Center for Human Genetics and Genomic Medicine, Uniklinik Rwth Aachen
Classification: Pathogenic for Microcephaly. Review status: criteria provided, single submitter. Criteria: ACMG Guidelines, 2015. Collection method: research. Allele origin: inherited. Inheritance: Autosomal recessive inheritance. Affected: yes. Observed: 1 variant allele, 1 compound heterozygote.

PreventionGenetics, part of Exact Sciences
Classification: Likely pathogenic for WDR11-related condition. Last evaluated: 2024-03-25. Review status: no assertion criteria provided. Collection method: clinical testing. Allele origin: germline. Not counted in ClinVar's aggregate classification.
Comment: The WDR11 c.1439delA variant is predicted to result in a frameshift and premature protein termination (p.Asn480Thrfs*32). This variant was reported in the compound heterozygous state along with a second premature termination variant in an individual with microcephaly and intellectual disability (Haag et al. 2021. PubMed ID: 34413497). This variant is reported in 0.022% of alleles in individuals of East Asian descent in gnomAD. Frameshift variants in WDR11 are expected to be pathogenic. This variant is interpreted as likely pathogenic.

OMIM
Classification: Pathogenic for INTELLECTUAL DEVELOPMENTAL DISORDER, AUTOSOMAL RECESSIVE 78. Last evaluated: 2023-02-08. Review status: no assertion criteria provided. Collection method: literature only. Allele origin: germline. Not counted in ClinVar's aggregate classification.

Literature cited by the submitters: DOI 10.1038/s41431-021-00943-5 (cited by Center for Human Genetics and Genomic Medicine, Uniklinik Rwth Aachen); PubMed 34413497 (cited by OMIM).

NM_018117.12(WDR11):c.1439del (p.Asn480fs)

Gene: WDR11 (WD repeat domain 11; plus strand). Cytogenetic location: 10q26.12.
Variant type: Deletion.
Coding change: c.1439del on transcript NM_018117.12 (MANE Select); coding-DNA position 1439, one base deleted (A; older notation c.1439delA).
Protein change: p.Asn480fs; shifts the reading frame from asparagine 480.
Molecular consequence: frameshift variant.
Genome position (GRCh38, 1-based): chr10:120,871,314, A deleted; the last of 6 consecutive A bases (chr10:120,871,309-120,871,314); deleting any one gives the same sequence. VCF-style (leftmost placement, unchanged base first): chr10-120871308-CA-C. GRCh37 (hg19) VCF-style: chr10-122630820-CA-C.
Other names: c.1439delA (NM_018117.11); short protein forms N480fs.
Identifiers: ClinVar variation 1098851 (VCV001098851.4), dbSNP rs747938475, ClinGen allele CA5719715.